The following is an entry in ClinVar:

ClinVar aggregate classification (germline): Uncertain significance. Review status: criteria provided, single submitter (1 of 4 stars). 2 submissions from 2 submitters: Uncertain significance (1). 1 of the submissions does not count toward it. Last evaluated 2022-08-27.

Conditions:
SLC27A5-related disorder. Also called: SLC27A5-related condition.

Allele frequency attached by ClinVar (database versions not stated): TOPMed below 0.00001; gnomAD 0.00001; gnomAD exomes 0.00002; ExAC 0.00003; 1000 Genomes Project 0.00020; 1000 Genomes Project 30x 0.00031.

Submissions (2):

Labcorp Genetics (formerly Invitae), Labcorp
Classification: Uncertain significance. Last evaluated: 2022-08-27. Review status: criteria provided, single submitter. Criteria: Invitae Variant Classification Sherloc (09022015). Collection method: clinical testing. Allele origin: germline.
Comment: This sequence change replaces alanine, which is neutral and non-polar, with valine, which is neutral and non-polar, at codon 473 of the SLC27A5 protein (p.Ala473Val). This variant is present in population databases (rs567812094, gnomAD 0.01%). This variant has not been reported in the literature in individuals affected with SLC27A5-related conditions. Algorithms developed to predict the effect of missense changes on protein structure and function are either unavailable or do not agree on the potential impact of this missense change (SIFT: "Tolerated"; PolyPhen-2: "Possibly Damaging"; Align-GVGD: "Class C0"). In summary, the available evidence is currently insufficient to determine the role of this variant in disease. Therefore, it has been classified as a Variant of Uncertain Significance.

PreventionGenetics, part of Exact Sciences
Classification: Uncertain significance for SLC27A5-related condition. Last evaluated: 2024-07-01. Review status: no assertion criteria provided. Collection method: clinical testing. Allele origin: germline. Not counted in ClinVar's aggregate classification.
Comment: The SLC27A5 c.1418C>T variant is predicted to result in the amino acid substitution p.Ala473Val. To our knowledge, this variant has not been reported in the literature. This variant is reported in 0.0098% of alleles in individuals of South Asian descent in gnomAD. At this time, the clinical significance of this variant is uncertain due to the absence of conclusive functional and genetic evidence.

NM_012254.3(SLC27A5):c.1418C>T (p.Ala473Val)

Gene: SLC27A5 (solute carrier family 27 member 5; minus strand). Cytogenetic location: 19q13.43.
Variant type: single nucleotide variant.
Coding change: c.1418C>T on transcript NM_012254.3 (MANE Select); coding-DNA position 1418, C replaced by T.
Protein change: p.Ala473Val; replaces alanine 473 with valine.
Molecular consequence: missense variant.
Genome position (GRCh38, 1-based): chr19:58,500,389, G>A on the plus strand (C>T on the coding strand, the complement: SLC27A5 is on the minus strand). VCF-style: chr19-58500389-G-A. GRCh37 (hg19) VCF-style: chr19-59011756-G-A.
Other names: c.1166C>T, p.Ala389Val (NM_001321196.2); c.1418C>T (NM_012254.2); short protein forms A389V, A473V.
Identifiers: ClinVar variation 1962118 (VCV001962118.6), dbSNP rs567812094, ClinGen allele CA9717985.